The following is an entry in ClinVar:

ClinVar aggregate classification (germline): Uncertain significance (1 of 4 stars; one submission).

Submission:

GeneDx
Classification: Uncertain significance. Last evaluated: 2022-06-09. Review status: criteria provided, single submitter. Criteria: GeneDx Variant Classification Process June 2021. Collection method: clinical testing. Allele origin: germline. Affected: yes.
Comment: Not observed at significant frequency in large population cohorts (gnomAD); Missense variants in this gene are often considered pathogenic (HGMD); In silico analysis supports that this missense variant has a deleterious effect on protein structure/function; This substitution is predicted to be within the Transmembrane segment S2 of the second homologous domain; Has not been previously published as pathogenic or benign to our knowledge

NM_001330260.2(SCN8A):c.2363G>A (p.Gly788Glu)

Gene: SCN8A (sodium voltage-gated channel alpha subunit 8; plus strand). Cytogenetic location: 12q13.13.
Variant type: single nucleotide variant.
Coding change: c.2363G>A on transcript NM_001330260.2 (MANE Select); coding-DNA position 2363, G replaced by A.
Protein change: p.Gly788Glu; replaces glycine 788 with glutamic acid.
Molecular consequence: missense variant.
Genome position (GRCh38, 1-based): chr12:51,751,586, G>A. VCF-style: chr12-51751586-G-A. GRCh37 (hg19) VCF-style: chr12-52145370-G-A.
Other names: c.2363G>A, p.Gly788Glu (NM_001177984.3, NM_001369788.1, NM_014191.4); short protein forms G788E.
Identifiers: ClinVar variation 1803381 (VCV001803381.1), dbSNP rs2540239492, ClinGen allele CA384880223.
Genomic context (GRCh38, chr12:51,751,586, plus strand): 5'-TGTTTATGGCAATGGAGCACCATCCTATGACACCACAATTTGAACATGTCTTGGCTGTAG[G>A]AAATCTGGTAAGATGGAACACTGTCTCCCGATATTAGGATTGGAATGTGTTTTGCCTGTA-3'
Protein context (NP_001317189.1, residues 778-798): TPQFEHVLAV[Gly788Glu]NLVFTGIFTA